The following is an entry in ClinVar:

ClinVar aggregate classification (germline): Likely pathogenic (1 of 4 stars; one submission).

Conditions:
Hereditary nonpolyposis colorectal neoplasms. Identifiers: MedGen C0009405, MeSH D003123.

Submission:

Labcorp Genetics (formerly Invitae), Labcorp
Classification: Likely pathogenic for Hereditary nonpolyposis colorectal neoplasms. Last evaluated: 2017-09-16. Review status: criteria provided, single submitter. Criteria: Invitae Variant Classification Sherloc (09022015). Collection method: clinical testing. Allele origin: germline.
Comment: Loss-of-function variants in PMS2 are known to be pathogenic (PMID: 21376568, 24362816). In summary, the currently available evidence indicates that the variant is pathogenic, but additional data are needed to prove that conclusively. Therefore, this variant has been classified as Likely Pathogenic. Sub-genic duplications are generally in tandem (PMID: 25640679), and result in an absent or disrupted protein. This variant has not been reported in the literature in individuals with PMS2-related disease. This variant is a gross duplication of the genomic region encompassing exons 6-7 of the PMS2 gene. While the exact position of the duplicated exons cannot be determined from this data, the duplicated copy of this region is likely in tandem and may result in an absent or disrupted protein product.

Literature cited by the submitters: PubMed 21376568; PubMed 24362816; PubMed 25640679.

NC_000007.13:g.(?_6036951)_(6038912_?)dup

Gene: PMS2 (PMS1 homolog 2, mismatch repair system component; minus strand). Cytogenetic location: 7p22.1.
Variant type: Duplication.
Identifiers: ClinVar variation 525961 (VCV000525961.7).